The following is an entry in ClinVar:

NM_001690.4(ATP6V1A):c.587T>A (p.Phe196Tyr)

Gene: ATP6V1A (ATPase H+ transporting V1 subunit A; plus strand). Cytogenetic location: 3q13.31.
Variant type: single nucleotide variant.
Coding change: c.587T>A on transcript NM_001690.4 (MANE Select); coding-DNA position 587, T replaced by A.
Protein change: p.Phe196Tyr; replaces phenylalanine 196 with tyrosine.
Molecular consequence: missense variant.
Genome position (GRCh38, 1-based): chr3:113,786,254, T>A. VCF-style: chr3-113786254-T-A. GRCh37 (hg19) VCF-style: chr3-113505101-T-A.
Other names: short protein forms F196Y.
Identifiers: ClinVar variation 2035220 (VCV002035220.4), dbSNP rs2549720402, ClinGen allele CA354010520.

ClinVar aggregate classification (germline): Uncertain significance (1 of 4 stars; one submission).

Submission:

Labcorp Genetics (formerly Invitae), Labcorp
Classification: Uncertain significance. Last evaluated: 2023-11-17. Review status: criteria provided, single submitter. Criteria: Invitae Variant Classification Sherloc (09022015). Collection method: clinical testing. Allele origin: germline.
Comment: This sequence change replaces phenylalanine, which is neutral and non-polar, with tyrosine, which is neutral and polar, at codon 196 of the ATP6V1A protein (p.Phe196Tyr). This variant is not present in population databases (gnomAD no frequency). This variant has not been reported in the literature in individuals affected with ATP6V1A-related conditions. ClinVar contains an entry for this variant (Variation ID: 2035220). Advanced modeling of protein sequence and biophysical properties (such as structural, functional, and spatial information, amino acid conservation, physicochemical variation, residue mobility, and thermodynamic stability) performed at Invitae indicates that this missense variant is not expected to disrupt ATP6V1A protein function with a negative predictive value of 80%. In summary, the available evidence is currently insufficient to determine the role of this variant in disease. Therefore, it has been classified as a Variant of Uncertain Significance.